The following is an entry in ClinVar:

ClinVar aggregate classification (germline): Benign. Review status: criteria provided, multiple submitters, no conflicts (2 of 4 stars). 11 submissions from 11 submitters: Benign (9). 2 of the submissions do not count toward it. Last evaluated 2026-02-04.

Conditions:
PCNT-related disorder. Also called: PCNT-related condition.
Microcephalic osteodysplastic primordial dwarfism type II (MOPD2). Also called: Microcephalic osteodysplastic primordial dwarfism with tooth abnormalities; MOPD II; OSTEODYSPLASTIC PRIMORDIAL DWARFISM, TYPE II. Identifiers: Orphanet 2637, MedGen C0432246, MONDO:0008872, OMIM 210720.

Allele frequency attached by ClinVar (database versions not stated): gnomAD 0.67091 and 0.67500; gnomAD exomes 0.62478 and 0.62671; ExAC 0.63968; 1000 Genomes Project 0.66993; 1000 Genomes Project 30x 0.67224; TOPMed 0.67478; ESP Exome Variant Server 0.69183.
gnomAD v4.1: 1,016,174 of 1,613,546 alleles (63%); highest among the groups gnomAD compares: African/African-American, 80%; 322,770 homozygotes.

Submissions (11):

Labcorp Genetics (formerly Invitae), Labcorp
Classification: Benign. Last evaluated: 2026-02-04. Review status: criteria provided, single submitter. Criteria: Invitae Variant Classification Sherloc (09022015). Collection method: clinical testing. Allele origin: germline.

Blueprint Genetics
Classification: Benign. Last evaluated: 2024-11-28. Review status: criteria provided, single submitter. Criteria: ACMG Guidelines, 2015. Collection method: clinical testing. Allele origin: germline.

Genome-Nilou Lab
Classification: Benign for Microcephalic osteodysplastic primordial dwarfism type II. Last evaluated: 2021-09-05. Review status: criteria provided, single submitter. Criteria: ACMG Guidelines, 2015. Collection method: clinical testing. Allele origin: germline. Affected: no.

Illumina Laboratory Services, Illumina
Classification: Benign for Microcephalic osteodysplastic primordial dwarfism type II. Last evaluated: 2018-01-13. Review status: criteria provided, single submitter. Criteria: ICSL Variant Classification Criteria 13 December 2019. Collection method: clinical testing. Allele origin: germline.
Comment: This variant was observed in the ICSL laboratory as part of a predisposition screen in an ostensibly healthy population. It had not been previously curated by ICSL or reported in the Human Gene Mutation Database (HGMD: prior to June 1st, 2018), and was therefore a candidate for classification through an automated scoring system. Utilizing variant allele frequency, disease prevalence and penetrance estimates, and inheritance mode, an automated score was calculated to assess if this variant is too frequent to cause the disease. Based on the score and internal cut-off values, a variant classified as benign is not then subjected to further curation. The score for this variant resulted in a classification of benign for this disease.

Clinical Genetics DNA and cytogenetics Diagnostics Lab, Erasmus MC, Erasmus Medical Center
Classification: Benign for Microcephalic osteodysplastic primordial dwarfism type II. Last evaluated: 2017-05-31. Review status: criteria provided, single submitter. Criteria: ACGS Guidelines, 2013. Collection method: clinical testing. Allele origin: germline. Affected: yes. Study: VKGL Data-share Consensus.

GeneDx
Classification: Benign. Last evaluated: 2015-03-03. Review status: criteria provided, single submitter. Criteria: GeneDx Variant Classification Process June 2021. Collection method: clinical testing. Allele origin: germline. Affected: yes.

Eurofins Ntd Llc (ga)
Classification: Benign. Last evaluated: 2014-03-12. Review status: criteria provided, single submitter. Criteria: EGL Classification Definitions 2015. Collection method: clinical testing. Allele origin: germline. Observed: 1 variant allele, 1 homozygote.

Genetic Services Laboratory, University of Chicago
Classification: Benign. Last evaluated: 2013-02-08. Review status: criteria provided, single submitter. Criteria: ACMG Guidelines, 2007. Collection method: clinical testing. Allele origin: germline. Inheritance: Autosomal recessive inheritance.

Breakthrough Genomics
Classification: Benign. Review status: criteria provided, single submitter. Criteria: ACMG Guidelines, 2015. Collection method: not provided. Allele origin: germline. Inheritance: Autosomal recessive inheritance. Affected: yes.

PreventionGenetics, part of Exact Sciences
Classification: Benign for PCNT-related condition. Last evaluated: 2022-07-19. Review status: no assertion criteria provided. Collection method: clinical testing. Allele origin: germline. Not counted in ClinVar's aggregate classification.
Comment: This variant is classified as benign based on ACMG/AMP sequence variant interpretation guidelines (Richards et al. 2015 PMID: 25741868, with internal and published modifications).

Diagnostic Laboratory, Department of Genetics, University Medical Center Groningen
Classification: Benign for Microcephalic osteodysplastic primordial dwarfism type II. Review status: no assertion criteria provided. Collection method: clinical testing. Allele origin: germline. Affected: yes. Study: VKGL Data-share Consensus. Not counted in ClinVar's aggregate classification.

NM_006031.6(PCNT):c.8375A>G (p.Gln2792Arg)

Gene: PCNT (pericentrin; plus strand). Cytogenetic location: 21q22.3.
Variant type: single nucleotide variant.
Coding change: c.8375A>G on transcript NM_006031.6 (MANE Select); coding-DNA position 8375, A replaced by G.
Protein change: p.Gln2792Arg; replaces glutamine 2792 with arginine.
Molecular consequence: missense variant.
Genome position (GRCh38, 1-based): chr21:46,431,839, A>G. VCF-style: chr21-46431839-A-G. GRCh37 (hg19) VCF-style: chr21-47851753-A-G.
Other names: c.8021A>G, p.Gln2674Arg (NM_001315529.2); short protein forms Q2792R, Q2674R.
Identifiers: ClinVar variation 159671 (VCV000159671.28), dbSNP rs2073376, ClinGen allele CA173121.
Genomic context (GRCh38, chr21:46,431,839, plus strand): 5'-GCCAGAGGACACAGGAGGCTTGCGTGCACCAGGACACACAGGCCCATCACGCTCTGCTGC[A>G]GAAGCTGAAGGAGGAGAAGTCCCGGGTGGTGGACTTGCAAGCGATGCTTGAAAAGGTGCA-3'
Protein context (NP_006022.3, residues 2782-2802): QDTQAHHALL[Gln2792Arg]KLKEEKSRVV